The following is an entry in ClinVar:

NM_000368.5(TSC1):c.1153G>C (p.Gly385Arg)

Gene: TSC1 (TSC complex subunit 1; minus strand). Cytogenetic location: 9q34.13.
Variant type: single nucleotide variant.
Coding change: c.1153G>C on transcript NM_000368.5 (MANE Select); coding-DNA position 1153, G replaced by C.
Protein change: p.Gly385Arg; replaces glycine 385 with arginine.
Molecular consequence: missense variant. On other transcripts: non-coding transcript variant (5).
Genome position (GRCh38, 1-based): chr9:132,910,681, C>G on the plus strand (G>C on the coding strand, the complement: TSC1 is on the minus strand). VCF-style: chr9-132910681-C-G. GRCh37 (hg19) VCF-style: chr9-135786068-C-G.
Other names: c.1150G>C, p.Gly384Arg (NM_001162426.2, NM_001406597.1, NM_001406598.1 and 6 more transcripts); c.1000G>C, p.Gly334Arg (NM_001162427.2, NM_001406610.1); c.790G>C, p.Gly264Arg (NM_001362177.2, NM_001406615.1, NM_001406616.1 and 5 more transcripts); c.1153G>C, p.Gly385Arg (NM_001406592.1, NM_001406593.1, NM_001406594.1 and 7 more transcripts); c.787G>C, p.Gly263Arg (NM_001406620.1, NM_001406621.1, NM_001406622.1 and 2 more transcripts); c.202G>C, p.Gly68Arg (NM_001406626.1); c.199G>C, p.Gly67Arg (NM_001406627.1, NM_001406628.1); c.100G>C, p.Gly34Arg (NM_001406629.1, NM_001406630.1); and 1 more; short protein forms G68R, G334R, G384R, G333R, G34R, G263R, G264R, G385R.
Identifiers: ClinVar variation 3655103 (VCV003655103.2).

ClinVar aggregate classification (germline): Uncertain significance (1 of 4 stars; one submission).

Conditions:
Tuberous sclerosis 1 (TSC1). Identifiers: Orphanet 805, MedGen C1854465, MONDO:0008612, OMIM 191100.

Submission:

Labcorp Genetics (formerly Invitae), Labcorp
Classification: Uncertain significance for Tuberous sclerosis 1. Last evaluated: 2025-07-31. Review status: criteria provided, single submitter. Criteria: Invitae Variant Classification Sherloc (09022015). Collection method: clinical testing. Allele origin: germline.
Comment: This sequence change replaces glycine, which is neutral and non-polar, with arginine, which is basic and polar, at codon 385 of the TSC1 protein (p.Gly385Arg). This variant is not present in population databases (gnomAD no frequency). This variant has not been reported in the literature in individuals affected with TSC1-related conditions. ClinVar contains an entry for this variant (Variation ID: 3655103). Invitae Evidence Modeling of protein sequence and biophysical properties (such as structural, functional, and spatial information, amino acid conservation, physicochemical variation, residue mobility, and thermodynamic stability) indicates that this missense variant is not expected to disrupt TSC1 protein function with a negative predictive value of 95%. In summary, the available evidence is currently insufficient to determine the role of this variant in disease. Therefore, it has been classified as a Variant of Uncertain Significance.